The following is an entry in ClinVar:

NM_022051.3(EGLN1):c.238C>T (p.Pro80Ser)

Gene: EGLN1 (egl-9 family hypoxia inducible factor 1; minus strand). Cytogenetic location: 1q42.2.
Variant type: single nucleotide variant.
Coding change: c.238C>T on transcript NM_022051.3 (MANE Select); coding-DNA position 238, C replaced by T.
Protein change: p.Pro80Ser; replaces proline 80 with serine.
Molecular consequence: missense variant.
Genome position (GRCh38, 1-based): chr1:231,421,651, G>A on the plus strand (C>T on the coding strand, the complement: EGLN1 is on the minus strand). VCF-style: chr1-231421651-G-A. GRCh37 (hg19) VCF-style: chr1-231557397-G-A.
Other names: c.238C>T, p.Pro80Ser (NM_001377260.1, NM_001377261.1); short protein forms P80S.
Identifiers: ClinVar variation 1790542 (VCV001790542.5), dbSNP rs1399925375, ClinGen allele CA345238354.

ClinVar aggregate classification (germline): Uncertain significance. Review status: criteria provided, multiple submitters, no conflicts (2 of 4 stars). 2 submissions from 2 submitters: Uncertain significance (2). Last evaluated 2025-08-04.

Conditions:
Hemoglobin, high altitude adaptation (HALAH). Identifiers: MedGen C1836778, OMIM 609070.
Erythrocytosis, familial, 3 (ECYT3). Identifiers: Orphanet 247511, MedGen C1853286, MONDO:0012353, OMIM 609820.

Allele frequency attached by ClinVar (database versions not stated): gnomAD 0.00001; gnomAD exomes 0.00001; TOPMed 0.00001.
gnomAD v4.1: 10 of 1,457,680 alleles (0.00069%); highest among the groups gnomAD compares: Non-Finnish European, 0.0009%; no homozygotes.

Submissions (2):

Ambry Genetics
Classification: Uncertain significance. Last evaluated: 2025-08-04. Review status: criteria provided, single submitter. Criteria: Ambry Variant Classification Scheme 2023. Collection method: clinical testing. Allele origin: germline.
Comment: The p.P80S variant (also known as c.238C>T), located in coding exon 1 of the EGLN1 gene, results from a C to T substitution at nucleotide position 238. The proline at codon 80 is replaced by serine, an amino acid with similar properties. This amino acid position is conserved. In addition, this alteration is predicted to be tolerated by in silico analysis. Since supporting evidence is limited at this time, the clinical significance of this alteration remains unclear.

Fulgent Genetics
Classification: Uncertain significance for Hemoglobin, high altitude adaptation; Erythrocytosis, familial, 3. Last evaluated: 2024-06-12. Review status: criteria provided, single submitter. Criteria: ACMG Guidelines, 2015. Collection method: clinical testing. Allele origin: germline.